The following is an entry in ClinVar:

NM_022765.4(MICAL1):c.2581+6C>G

Gene: MICAL1 (microtubule associated monooxygenase, calponin and LIM domain containing 1; minus strand). Cytogenetic location: 6q21.
Variant type: single nucleotide variant.
Coding change: c.2581+6C>G on transcript NM_022765.4 (MANE Select); 6 bases into the intron after coding-DNA position 2581, C replaced by G.
Molecular consequence: intron variant.
Genome position (GRCh38, 1-based): chr6:109,446,130, G>C on the plus strand (C>G on the coding strand, the complement: MICAL1 is on the minus strand). VCF-style: chr6-109446130-G-C. GRCh37 (hg19) VCF-style: chr6-109767333-G-C.
Other names: c.2638+6C>G (NM_001286613.2); c.2323+6C>G (NM_001159291.2).
Identifiers: ClinVar variation 3699754 (VCV003699754.2).

ClinVar aggregate classification (germline): Uncertain significance (1 of 4 stars; one submission).

Submission:

Labcorp Genetics (formerly Invitae), Labcorp
Classification: Uncertain significance. Last evaluated: 2024-12-24. Review status: criteria provided, single submitter. Criteria: Invitae Variant Classification Sherloc (09022015). Collection method: clinical testing. Allele origin: germline.
Comment: This sequence change falls in intron 19 of the MICAL1 gene. It does not directly change the encoded amino acid sequence of the MICAL1 protein. It affects a nucleotide within the consensus splice site. This variant is not present in population databases (gnomAD no frequency). This variant has not been reported in the literature in individuals affected with MICAL1-related conditions. Variants that disrupt the consensus splice site are a relatively common cause of aberrant splicing (PMID: 17576681, 9536098). Algorithms developed to predict the effect of sequence changes on RNA splicing suggest that this variant is not likely to affect RNA splicing. In summary, the available evidence is currently insufficient to determine the role of this variant in disease. Therefore, it has been classified as a Variant of Uncertain Significance.

Literature cited by the submitters: PubMed 17576681; PubMed 9536098.